The following is an entry in ClinVar:

NM_000553.6(WRN):c.1064C>T (p.Ala355Val)

Gene: WRN (WRN RecQ like helicase; plus strand). Cytogenetic location: 8p12.
Variant type: single nucleotide variant.
Coding change: c.1064C>T on transcript NM_000553.6 (MANE Select); coding-DNA position 1064, C replaced by T.
Protein change: p.Ala355Val; replaces alanine 355 with valine.
Molecular consequence: missense variant.
Genome position (GRCh38, 1-based): chr8:31,081,091, C>T. VCF-style: chr8-31081091-C-T. GRCh37 (hg19) VCF-style: chr8-30938607-C-T.
Other names: short protein forms A355V.
Identifiers: ClinVar variation 1986791 (VCV001986791.4), dbSNP rs2535910635, ClinGen allele CA370920528.
Genomic context (GRCh38, chr8:31,081,091, plus strand): 5'-AACATGAAGTTTTAATTCACGTTGAAGATGAAACATGGGACCCAACACTTGATCATTTAG[C>T]TAAACATGATGGAGAAGATGTACTTGGAAATAAAGTGGAACGAAAAGAAGATGGATTTGA-3'
Protein context (NP_000544.2, residues 345-365): ETWDPTLDHL[Ala355Val]KHDGEDVLGN

ClinVar aggregate classification (germline): Uncertain significance (1 of 4 stars; one submission).

Conditions:
Werner syndrome (WRN). Identifiers: Orphanet 902, MedGen C0043119, MONDO:0010196, OMIM 277700.

Submission:

Labcorp Genetics (formerly Invitae), Labcorp
Classification: Uncertain significance for Werner syndrome. Last evaluated: 2022-04-07. Review status: criteria provided, single submitter. Criteria: Invitae Variant Classification Sherloc (09022015). Collection method: clinical testing. Allele origin: germline.
Comment: In summary, the available evidence is currently insufficient to determine the role of this variant in disease. Therefore, it has been classified as a Variant of Uncertain Significance. Algorithms developed to predict the effect of missense changes on protein structure and function output the following: SIFT: "Not Available"; PolyPhen-2: "Benign"; Align-GVGD: "Not Available". The valine amino acid residue is found in multiple mammalian species, which suggests that this missense change does not adversely affect protein function. This variant has not been reported in the literature in individuals affected with WRN-related conditions. This variant is not present in population databases (gnomAD no frequency). This sequence change replaces alanine, which is neutral and non-polar, with valine, which is neutral and non-polar, at codon 355 of the WRN protein (p.Ala355Val).